The following is an entry in ClinVar:

NM_000719.7(CACNA1C):c.1722G>T (p.Lys574Asn)

Gene: CACNA1C (calcium voltage-gated channel subunit alpha1 C; plus strand). Cytogenetic location: 12p13.33.
Variant type: single nucleotide variant.
Coding change: c.1722G>T on transcript NM_000719.7 (MANE Select); coding-DNA position 1722, G replaced by T.
Protein change: p.Lys574Asn; replaces lysine 574 with asparagine.
Molecular consequence: missense variant.
Genome position (GRCh38, 1-based): chr12:2,567,621, G>T. VCF-style: chr12-2567621-G-T. GRCh37 (hg19) VCF-style: chr12-2676787-G-T.
Other names: c.1722G>T, p.Lys574Asn (NM_001129827.2, NM_001129829.2, NM_001129830.3 and 18 more transcripts); c.1713G>T, p.Lys571Asn (NM_001129844.2); short protein forms K574N, K571N.
Identifiers: ClinVar variation 582580 (VCV000582580.11), dbSNP rs1568469515, ClinGen allele CA383368863.

ClinVar aggregate classification (germline): Uncertain significance (1 of 4 stars; one submission).

Conditions:
Long QT syndrome (LQTS). Identifiers: MedGen C0023976, MeSH D008133, MONDO:0002442. Disease mechanism: loss of function. Inheritance: Various modes of inheritance.

Submission:

Labcorp Genetics (formerly Invitae), Labcorp
Classification: Uncertain significance for Long QT syndrome. Last evaluated: 2019-04-23. Review status: criteria provided, single submitter. Criteria: Invitae Variant Classification Sherloc (09022015). Collection method: clinical testing. Allele origin: germline.
Comment: This sequence change replaces lysine with asparagine at codon 574 of the CACNA1C protein (p.Lys574Asn). The lysine residue is highly conserved and there is a moderate physicochemical difference between lysine and asparagine. This variant is not present in population databases (ExAC no frequency). This variant has not been reported in the literature in individuals with CACNA1C-related disease. Algorithms developed to predict the effect of missense changes on protein structure and function do not agree on the potential impact of this missense change (SIFT: "Deleterious"; PolyPhen-2: "Probably Damaging"; Align-GVGD: "Class C0"). In summary, the available evidence is currently insufficient to determine the role of this variant in disease. Therefore, it has been classified as a Variant of Uncertain Significance.